The following is an entry in ClinVar:

NM_000051.4(ATM):c.7071G>A (p.Met2357Ile)

Genes: ATM (ATM serine/threonine kinase; plus strand), C11orf65 (chromosome 11 open reading frame 65; minus strand). Cytogenetic location: 11q22.3.
Variant type: single nucleotide variant.
Coding change: c.7071G>A on transcript NM_000051.4 (MANE Select); coding-DNA position 7071, G replaced by A.
Protein change: p.Met2357Ile; replaces methionine 2357 with isoleucine.
Molecular consequence: missense variant. On other transcripts: intron variant (2).
Genome position (GRCh38, 1-based): chr11:108,327,740, G>A. VCF-style: chr11-108327740-G-A. GRCh37 (hg19) VCF-style: chr11-108198467-G-A.
Other names: c.7071G>A, p.Met2357Ile (NM_001351834.2); c.641-18669C>T (NM_001330368.2); c.*38+7480C>T (NM_001351110.2); short protein forms M2357I.
Identifiers: ClinVar variation 826819 (VCV000826819.14), dbSNP rs753951063, ClinGen allele CA6266055.
Genomic context (GRCh38, chr11:108,327,740, plus strand): 5'-TCTGAGGGTTTGTGGCAACTGGTTAGCAGAAACGTGCTTAGAAAATCCTGCGGTCATCAT[G>A]CAGACCTATCTAGAAAAGGTAAGATTTTTGGAGCAACCCTTAAGATAGTTACTTAGCATG-3'
Protein context (NP_000042.3, residues 2347-2367): ETCLENPAVI[Met2357Ile]QTYLEKAVEV

ClinVar aggregate classification (germline): Uncertain significance. Review status: criteria provided, multiple submitters, no conflicts (2 of 4 stars). 4 submissions from 4 submitters: Uncertain significance (3). 1 of the submissions does not count toward it. Last evaluated 2025-06-24.

Conditions:
Hereditary cancer-predisposing syndrome. Also called: Tumor predisposition; Neoplastic Syndromes, Hereditary; Hereditary Cancer Syndrome; Hereditary neoplastic syndrome. Identifiers: Orphanet 140162, MedGen C0027672, MeSH D009386, MONDO:0015356.
Familial cancer of breast. Also called: Hereditary breast cancer; BREAST CANCER, FAMILIAL; hereditary breast carcinoma. Identifiers: Orphanet 227535, MedGen C0346153, MONDO:0016419, OMIM 114480. Disease mechanism: loss of function.
Ataxia-telangiectasia syndrome (AT). Also called: ATAXIA-TELANGIECTASIA, COMPLEMENTATION GROUP A; ATAXIA-TELANGIECTASIA, FRESNO VARIANT; Ataxia-telangiectasia; Ataxia-telangiectasia, complementation group D; AT, COMPLEMENTATION GROUP C; Ataxia-telangiectasia, complementation group E. Identifiers: Orphanet 100, MedGen C0004135, MONDO:0008840, OMIM 208900.

Allele frequency attached by ClinVar (database versions not stated): gnomAD exomes below 0.00001; ExAC 0.00001.
gnomAD v4.1: 3 of 1,613,794 alleles (0.00019%); highest among the groups gnomAD compares: African/African-American, 0.0013%; no homozygotes.

Submissions (4):

Labcorp Genetics (formerly Invitae), Labcorp
Classification: Uncertain significance for Ataxia-telangiectasia syndrome. Last evaluated: 2025-06-24. Review status: criteria provided, single submitter. Criteria: Invitae Variant Classification Sherloc (09022015). Collection method: clinical testing. Allele origin: germline.
Comment: This sequence change replaces methionine, which is neutral and non-polar, with isoleucine, which is neutral and non-polar, at codon 2357 of the ATM protein (p.Met2357Ile). This variant is present in population databases (rs753951063, gnomAD 0.003%). This missense change has been observed in individual(s) with breast cancer (PMID: 33646313). ClinVar contains an entry for this variant (Variation ID: 826819). Invitae Evidence Modeling of protein sequence and biophysical properties (such as structural, functional, and spatial information, amino acid conservation, physicochemical variation, residue mobility, and thermodynamic stability) indicates that this missense variant is not expected to disrupt ATM protein function with a negative predictive value of 95%. In summary, the available evidence is currently insufficient to determine the role of this variant in disease. Therefore, it has been classified as a Variant of Uncertain Significance.

Ambry Genetics
Classification: Uncertain significance for Hereditary cancer-predisposing syndrome. Last evaluated: 2022-07-25. Review status: criteria provided, single submitter. Criteria: Ambry Variant Classification Scheme 2023. Collection method: clinical testing. Allele origin: germline.

Baylor Genetics
Classification: Uncertain significance for Familial cancer of breast. Last evaluated: 2021-12-09. Review status: criteria provided, single submitter. Criteria: ACMG Guidelines, 2015. Collection method: clinical testing. Allele origin: unknown.

Natera, Inc.
Classification: Uncertain significance for Ataxia-telangiectasia. Last evaluated: 2021-04-23. Review status: no assertion criteria provided. Collection method: clinical testing. Allele origin: germline. Not counted in ClinVar's aggregate classification.

Literature cited by the submitters: PubMed 33646313 (cited by Labcorp Genetics (formerly Invitae), Labcorp).